The following is an entry in ClinVar:

ClinVar aggregate classification (germline): Conflicting classifications of pathogenicity. Review status: criteria provided, conflicting classifications (1 of 4 stars). 6 submissions from 6 submitters: Uncertain significance (5); Benign (1). Last evaluated 2026-01-11.

Conditions:
Andersen Tawil syndrome (LQT7). Also called: Andersen Syndrome; Potassium-sensitive periodic paralysis, ventricular ectopy, and dysmorphic features; ANDERSEN CARDIODYSRHYTHMIC PERIODIC PARALYSIS; LONG QT SYNDROME 7; PERIODIC PARALYSIS, POTASSIUM-SENSITIVE CARDIODYSRHYTHMIC TYPE. Identifiers: Orphanet 37553, MedGen C1563715, MONDO:0008222, OMIM 170390.
Atrial fibrillation, familial, 9 (ATFB9). Identifiers: MedGen C3151431, MONDO:0013513, OMIM 613980.
Short QT syndrome type 3. Identifiers: Orphanet 51083, MedGen C1865018, MONDO:0012314, OMIM 609622.
Cardiovascular phenotype. Identifiers: MedGen CN230736.

Allele frequency attached by ClinVar (database versions not stated): ExAC 0.00004; gnomAD exomes 0.00005; TOPMed 0.00008; gnomAD 0.00011; ESP Exome Variant Server 0.00015.

Submissions (6):

Labcorp Genetics (formerly Invitae), Labcorp
Classification: Uncertain significance for Short QT syndrome type 3; Andersen Tawil syndrome. Last evaluated: 2026-01-11. Review status: criteria provided, single submitter. Criteria: Invitae Variant Classification Sherloc (09022015). Collection method: clinical testing. Allele origin: germline.
Comment: This sequence change replaces glycine, which is neutral and non-polar, with serine, which is neutral and polar, at codon 206 of the KCNJ2 protein (p.Gly206Ser). This variant is present in population databases (rs141035459, gnomAD 0.008%), and has an allele count higher than expected for a pathogenic variant. This missense change has been observed in individual(s) with clinical features of KCNJ2-related conditions (PMID: 23631430). ClinVar contains an entry for this variant (Variation ID: 281601). Invitae Evidence Modeling of protein sequence and biophysical properties (such as structural, functional, and spatial information, amino acid conservation, physicochemical variation, residue mobility, and thermodynamic stability) indicates that this missense variant is expected to disrupt KCNJ2 protein function with a positive predictive value of 95%. In summary, the available evidence is currently insufficient to determine the role of this variant in disease. Therefore, it has been classified as a Variant of Uncertain Significance.

Ambry Genetics
Classification: Benign for Cardiovascular phenotype. Last evaluated: 2023-02-23. Review status: criteria provided, single submitter. Criteria: Ambry Variant Classification Scheme 2023. Collection method: clinical testing. Allele origin: germline.

Clinical Genetics Laboratory, Skane University Hospital Lund
Classification: Uncertain significance. Last evaluated: 2022-12-01. Review status: criteria provided, single submitter. Criteria: ACMG Guidelines, 2015. Collection method: clinical testing. Allele origin: germline. Affected: yes.

Fulgent Genetics
Classification: Uncertain significance for Andersen Tawil syndrome; Short QT syndrome type 3; Atrial fibrillation, familial, 9. Last evaluated: 2021-12-27. Review status: criteria provided, single submitter. Criteria: ACMG Guidelines, 2015. Collection method: clinical testing. Allele origin: unknown.

Laboratory for Molecular Medicine, Mass General Brigham Personalized Medicine
Classification: Uncertain significance. Last evaluated: 2016-03-31. Review status: criteria provided, single submitter. Criteria: LMM Criteria. Collection method: clinical testing. Allele origin: germline.
Comment: Variant identified in a genome or exome case(s) and assessed due to predicted null impact of the variant or pathogenic assertions in the literature or databases. Disclaimer: This variant has not undergone full assessment. The following are preliminary notes: Reported in 1 patient in 1 paper; ExAC: 1/10406 African

Eurofins Ntd Llc (ga)
Classification: Uncertain significance. Last evaluated: 2015-06-26. Review status: criteria provided, single submitter. Criteria: EGL Classification Definitions 2015. Collection method: clinical testing. Allele origin: germline. Observed: 1 variant allele, 1 heterozygote.

Literature cited by the submitters: PubMed 23631430 (cited by Labcorp Genetics (formerly Invitae), Labcorp and Ambry Genetics); PubMed 28589536 (cited by Ambry Genetics).

NM_000891.3(KCNJ2):c.616G>A (p.Gly206Ser)

Gene: KCNJ2 (potassium inwardly rectifying channel subfamily J member 2; plus strand). Cytogenetic location: 17q24.3.
Variant type: single nucleotide variant.
Coding change: c.616G>A on transcript NM_000891.3 (MANE Select); coding-DNA position 616, G replaced by A.
Protein change: p.Gly206Ser; replaces glycine 206 with serine.
Molecular consequence: missense variant.
Genome position (GRCh38, 1-based): chr17:70,175,655, G>A. VCF-style: chr17-70175655-G-A. GRCh37 (hg19) VCF-style: chr17-68171796-G-A.
Other names: short protein forms G206S.
Identifiers: ClinVar variation 281601 (VCV000281601.31), dbSNP rs141035459, ClinGen allele CA8738751.